The following is an entry in ClinVar:

NM_052865.4(MGME1):c.901G>A (p.Gly301Arg)

Gene: MGME1 (mitochondrial genome maintenance exonuclease 1; plus strand). Cytogenetic location: 20p11.23.
Variant type: single nucleotide variant.
Coding change: c.901G>A on transcript NM_052865.4 (MANE Select); coding-DNA position 901, G replaced by A.
Protein change: p.Gly301Arg; replaces glycine 301 with arginine.
Molecular consequence: missense variant. On other transcripts: nonsense (1).
Genome position (GRCh38, 1-based): chr20:17,989,975, G>A. VCF-style: chr20-17989975-G-A. GRCh37 (hg19) VCF-style: chr20-17970618-G-A.
Other names: p.Gly301Arg; c.946G>A, p.Gly316Arg (NM_001310338.2); c.548G>A, p.Trp183Ter (NM_001310339.2); c.661G>A, p.Gly221Arg (NM_001363738.2); short protein forms W183*, G221R, G301R, G316R.
Identifiers: ClinVar variation 708005 (VCV000708005.11), dbSNP rs114116406, ClinGen allele CA9775069.

ClinVar aggregate classification (germline): Benign. Review status: criteria provided, multiple submitters, no conflicts (2 of 4 stars). 2 submissions from 2 submitters: Benign (2). Last evaluated 2025-12-28.

Allele frequency attached by ClinVar (database versions not stated): gnomAD 0.00239 and 0.00223; TOPMed 0.00243; 1000 Genomes Project 30x 0.00297; 1000 Genomes Project 0.00300; gnomAD exomes 0.00021 and 0.00048; ExAC 0.00061; ESP Exome Variant Server 0.00192.
gnomAD v4.1: 656 of 1,614,142 alleles (0.041%); highest among the groups gnomAD compares: African/African-American, 0.79%; 5 homozygotes.

Submissions (2):

Labcorp Genetics (formerly Invitae), Labcorp
Classification: Benign. Last evaluated: 2025-12-28. Review status: criteria provided, single submitter. Criteria: Invitae Variant Classification Sherloc (09022015). Collection method: clinical testing. Allele origin: germline.

Mayo Clinic Laboratories, Mayo Clinic
Classification: Benign. Last evaluated: 2025-02-19. Review status: criteria provided, single submitter. Criteria: ACMG Guidelines, 2015. Collection method: clinical testing. Allele origin: germline. Observed: 5 variant alleles.
Comment: BA1